The following is an entry in ClinVar:

NM_001903.5(CTNNA1):c.1000G>A (p.Val334Met)

Gene: CTNNA1 (catenin alpha 1; plus strand). Cytogenetic location: 5q31.2.
Variant type: single nucleotide variant.
Coding change: c.1000G>A on transcript NM_001903.5 (MANE Select); coding-DNA position 1000, G replaced by A.
Protein change: p.Val334Met; replaces valine 334 with methionine.
Molecular consequence: missense variant.
Genome position (GRCh38, 1-based): chr5:138,827,656, G>A. VCF-style: chr5-138827656-G-A. GRCh37 (hg19) VCF-style: chr5-138163345-G-A.
Other names: c.1000G>A, p.Val334Met (NM_001290307.3, NM_001323982.2, NM_001323983.1 and 3 more transcripts); c.691G>A, p.Val231Met (NM_001290309.3); c.631G>A, p.Val211Met (NM_001290310.3); short protein forms V211M, V334M, V231M.
Identifiers: ClinVar variation 1040771 (VCV001040771.8), dbSNP rs1760855499, ClinGen allele CA361131118.

ClinVar aggregate classification (germline): Uncertain significance (1 of 4 stars; one submission).

Allele frequency attached by ClinVar (database versions not stated): gnomAD exomes below 0.00001.
gnomAD v4.1: 1 of 1,614,244 alleles (0.000062%); highest among the groups gnomAD compares: Non-Finnish European, 0.000085%; no homozygotes.

Submission:

Labcorp Genetics (formerly Invitae), Labcorp
Classification: Uncertain significance. Last evaluated: 2020-10-08. Review status: criteria provided, single submitter. Criteria: Invitae Variant Classification Sherloc (09022015). Collection method: clinical testing. Allele origin: germline.
Comment: This sequence change replaces valine with methionine at codon 334 of the CTNNA1 protein (p.Val334Met). The valine residue is highly conserved and there is a small physicochemical difference between valine and methionine. In summary, the available evidence is currently insufficient to determine the role of this variant in disease. Therefore, it has been classified as a Variant of Uncertain Significance. Algorithms developed to predict the effect of missense changes on protein structure and function are either unavailable or do not agree on the potential impact of this missense change (SIFT: "Deleterious"; PolyPhen-2: "Probably Damaging"; Align-GVGD: "Class C0"). This variant has not been reported in the literature in individuals with CTNNA1-related conditions. This variant is not present in population databases (ExAC no frequency).